The following is an entry in ClinVar:

ClinVar aggregate classification (germline): Uncertain significance (1 of 4 stars; one submission).

Conditions:
Intellectual developmental disorder, X-linked, syndromic 14. Also called: Syndromic X-linked intellectual disability 14. Identifiers: Orphanet 776, MedGen C1970822, MONDO:0010398, OMIM 300676.

gnomAD v4.1: 3 of 1,208,302 alleles (0.00025%); highest among the groups gnomAD compares: Non-Finnish European, 0.00034%; no homozygotes.

Submission:

Labcorp Genetics (formerly Invitae), Labcorp
Classification: Uncertain significance for Intellectual developmental disorder, X-linked, syndromic 14. Last evaluated: 2026-01-17. Review status: criteria provided, single submitter. Criteria: Invitae Variant Classification Sherloc (09022015). Collection method: clinical testing. Allele origin: germline.
Comment: This sequence change replaces arginine, which is basic and polar, with histidine, which is basic and polar, at codon 113 of the UPF3B protein (p.Arg113His). This variant is not present in population databases (gnomAD no frequency). This variant has not been reported in the literature in individuals affected with UPF3B-related conditions. Invitae Evidence Modeling of protein sequence and biophysical properties (such as structural, functional, and spatial information, amino acid conservation, physicochemical variation, residue mobility, and thermodynamic stability) indicates that this missense variant is expected to disrupt UPF3B protein function with a positive predictive value of 80%. In summary, the available evidence is currently insufficient to determine the role of this variant in disease. Therefore, it has been classified as a Variant of Uncertain Significance.

NM_080632.3(UPF3B):c.338G>A (p.Arg113His)

Gene: UPF3B (UPF3B regulator of nonsense mediated mRNA decay; minus strand). Cytogenetic location: Xq24.
Variant type: single nucleotide variant.
Coding change: c.338G>A on transcript NM_080632.3 (MANE Select); coding-DNA position 338, G replaced by A.
Protein change: p.Arg113His; replaces arginine 113 with histidine.
Molecular consequence: missense variant.
Genome position (GRCh38, 1-based): chrX:119,851,527, C>T on the plus strand (G>A on the coding strand, the complement: UPF3B is on the minus strand). VCF-style: chrX-119851527-C-T. GRCh37 (hg19) VCF-style: chrX-118985490-C-T.
Other names: c.338G>A, p.Arg113His (NM_023010.4); short protein forms R113H.
Identifiers: ClinVar variation 4697620 (VCV004697620.1).